The following is an entry in ClinVar:

ClinVar aggregate classification (germline): Uncertain significance. Review status: criteria provided, multiple submitters, no conflicts (2 of 4 stars). 2 submissions from 2 submitters: Uncertain significance (2). Last evaluated 2025-12-08.

Conditions:
Inborn genetic diseases. Identifiers: MedGen C0950123, MeSH D030342.

gnomAD v4.1: 9 of 1,614,010 alleles (0.00056%); highest among the groups gnomAD compares: East Asian, 0.0045%; no homozygotes.

Submissions (2):

Ambry Genetics
Classification: Uncertain significance for Inborn genetic diseases. Last evaluated: 2025-12-08. Review status: criteria provided, single submitter. Criteria: Ambry Variant Classification Scheme 2023. Collection method: clinical testing. Allele origin: germline.

Labcorp Genetics (formerly Invitae), Labcorp
Classification: Uncertain significance. Last evaluated: 2024-03-24. Review status: criteria provided, single submitter. Criteria: Invitae Variant Classification Sherloc (09022015). Collection method: clinical testing. Allele origin: germline.
Comment: This sequence change replaces glutamic acid, which is acidic and polar, with lysine, which is basic and polar, at codon 678 of the DCHS1 protein (p.Glu678Lys). This variant is present in population databases (no rsID available, gnomAD 0.006%). This variant has not been reported in the literature in individuals affected with DCHS1-related conditions. Advanced modeling of protein sequence and biophysical properties (such as structural, functional, and spatial information, amino acid conservation, physicochemical variation, residue mobility, and thermodynamic stability) performed at Invitae indicates that this missense variant is expected to disrupt DCHS1 protein function with a positive predictive value of 80%. In summary, the available evidence is currently insufficient to determine the role of this variant in disease. Therefore, it has been classified as a Variant of Uncertain Significance.

NM_003737.4(DCHS1):c.2032G>A (p.Glu678Lys)

Gene: DCHS1 (dachsous cadherin-related 1; minus strand). Cytogenetic location: 11p15.4.
Variant type: single nucleotide variant.
Coding change: c.2032G>A on transcript NM_003737.4 (MANE Select); coding-DNA position 2032, G replaced by A.
Protein change: p.Glu678Lys; replaces glutamic acid 678 with lysine.
Molecular consequence: missense variant.
Genome position (GRCh38, 1-based): chr11:6,633,975, C>T on the plus strand (G>A on the coding strand, the complement: DCHS1 is on the minus strand). VCF-style: chr11-6633975-C-T. GRCh37 (hg19) VCF-style: chr11-6655206-C-T.
Other names: c.2032G>A (NM_003737.2); short protein forms E678K.
Identifiers: ClinVar variation 3622551 (VCV003622551.3).